The following is an entry in ClinVar:

ClinVar aggregate classification (germline): Conflicting classifications of pathogenicity. Review status: criteria provided, conflicting classifications (1 of 4 stars). 4 submissions from 4 submitters: Uncertain significance (1); Likely benign (1). 2 of the submissions do not count toward it. Last evaluated 2024-03-25.

gnomAD v4.1: 740 of 1,206,143 alleles (0.061%); highest among the groups gnomAD compares: Non-Finnish European, 0.08%; 1 homozygote.

Submissions (4):

Ambry Genetics
Classification: Uncertain significance. Last evaluated: 2024-03-25. Review status: criteria provided, single submitter. Criteria: Ambry Variant Classification Scheme 2023. Collection method: clinical testing. Allele origin: germline.

CeGaT Center for Human Genetics Tuebingen
Classification: Likely benign. Last evaluated: 2023-01-01. Review status: criteria provided, single submitter. Criteria: CeGaT Center For Human Genetics Tuebingen Variant Classification Criteria Version 2. Collection method: clinical testing. Allele origin: germline. Affected: yes. Observed: 1 variant allele.
Comment: MTMR8: BS2

Clinical Genetics DNA and cytogenetics Diagnostics Lab, Erasmus MC, Erasmus Medical Center
Classification: Likely benign. Review status: no assertion criteria provided. Collection method: clinical testing. Allele origin: germline. Affected: yes. Study: VKGL Data-share Consensus. Not counted in ClinVar's aggregate classification.

Laboratory of Diagnostic Genome Analysis, Leiden University Medical Center (LUMC)
Classification: Likely benign. Review status: no assertion criteria provided. Collection method: clinical testing. Allele origin: germline. Affected: yes. Study: VKGL Data-share Consensus. Not counted in ClinVar's aggregate classification.

NM_017677.4(MTMR8):c.185C>T (p.Pro62Leu)

Gene: MTMR8 (myotubularin related protein 8; minus strand). Cytogenetic location: Xq11.2.
Variant type: single nucleotide variant.
Coding change: c.185C>T on transcript NM_017677.4 (MANE Select); coding-DNA position 185, C replaced by T.
Protein change: p.Pro62Leu; replaces proline 62 with leucine.
Molecular consequence: missense variant.
Genome position (GRCh38, 1-based): chrX:64,356,301, G>A on the plus strand (C>T on the coding strand, the complement: MTMR8 is on the minus strand). VCF-style: chrX-64356301-G-A. GRCh37 (hg19) VCF-style: chrX-63576181-G-A.
Other names: c.185C>T (NM_017677.3); short protein forms P62L.
Identifiers: ClinVar variation 1206206 (VCV001206206.29), dbSNP rs145085079, ClinGen allele CA10433255.